The following is an entry in ClinVar:

NM_006946.4(SPTBN2):c.1161C>T (p.Arg387=)

Gene: SPTBN2 (spectrin beta, non-erythrocytic 2; minus strand). Cytogenetic location: 11q13.2.
Variant type: single nucleotide variant.
Coding change: c.1161C>T on transcript NM_006946.4 (MANE Select); coding-DNA position 1161, C replaced by T.
Protein change: p.Arg387=; no amino-acid change (arginine 387 retained).
Molecular consequence: synonymous variant.
Genome position (GRCh38, 1-based): chr11:66,708,932, G>A on the plus strand (C>T on the coding strand, the complement: SPTBN2 is on the minus strand). VCF-style: chr11-66708932-G-A. GRCh37 (hg19) VCF-style: chr11-66476403-G-A.
Other names: p.Arg387=; c.1161C>T (NM_006946.3).
Identifiers: ClinVar variation 305591 (VCV000305591.57), dbSNP rs74909073, ClinGen allele CA6129465.

ClinVar aggregate classification (germline): Benign/Likely benign. Review status: criteria provided, multiple submitters, no conflicts (2 of 4 stars). 5 submissions from 5 submitters: Benign (2); Likely benign (3). Last evaluated 2026-09-01.

Allele frequency attached by ClinVar (database versions not stated): 1000 Genomes Project 0.00120; 1000 Genomes Project 30x 0.00125; TOPMed 0.00223; ESP Exome Variant Server 0.00300; gnomAD 0.00344 and 0.00352; ExAC 0.00354; gnomAD exomes 0.00370 and 0.00432.
gnomAD v4.1: 6,773 of 1,614,018 alleles (0.42%); highest among the groups gnomAD compares: Middle Eastern, 0.53%; 19 homozygotes.

Submissions (17):

CeGaT Center for Human Genetics Tuebingen
Classification: Likely benign. Last evaluated: 2026-09-01. Review status: criteria provided, single submitter. Criteria: CeGaT Center For Human Genetics Tuebingen Variant Classification Criteria Version 2. Collection method: clinical testing. Allele origin: germline. Affected: yes. Observed: 22 variant alleles.
Comment: SPTBN2: BP4, BP7, BS2

Labcorp Genetics (formerly Invitae), Labcorp
Classification: Benign. Last evaluated: 2026-01-17. Review status: criteria provided, single submitter. Criteria: Invitae Variant Classification Sherloc (09022015). Collection method: clinical testing. Allele origin: germline.

Blueprint Genetics
Classification: Likely benign. Last evaluated: 2024-11-25. Review status: criteria provided, single submitter. Criteria: ACMG Guidelines, 2015. Collection method: clinical testing. Allele origin: germline.

Mayo Clinic Laboratories, Mayo Clinic
Classification: Benign. Last evaluated: 2023-10-10. Review status: criteria provided, single submitter. Criteria: ACMG Guidelines, 2015. Collection method: clinical testing. Allele origin: germline. Observed: 3 variant alleles.
Comment: BA1, BS2, BP4, BP7

Breakthrough Genomics
Classification: Likely benign. Review status: criteria provided, single submitter. Criteria: ACMG Guidelines, 2015. Collection method: not provided. Allele origin: germline. Inheritance: Autosomal recessive inheritance. Affected: yes.

Dr. Peter K. Rogan Lab, Western University
No classification provided (evidence only). Condition: Lung cancer. Review status: no classification provided. Collection method: in vitro. Allele origin: not applicable. Functional consequence: skipped exon. Not counted in ClinVar's aggregate classification.

Dr. Peter K. Rogan Lab, Western University
No classification provided (evidence only). Condition: Lung cancer. Review status: no classification provided. Collection method: in vitro. Allele origin: not applicable. Functional consequence: retained intron. Not counted in ClinVar's aggregate classification.

Dr. Peter K. Rogan Lab, Western University
No classification provided (evidence only). Condition: Lung cancer. Review status: no classification provided. Collection method: in vitro. Allele origin: not applicable. Functional consequence: retained intron. Not counted in ClinVar's aggregate classification.

Dr. Peter K. Rogan Lab, Western University
No classification provided (evidence only). Condition: Lung cancer. Review status: no classification provided. Collection method: in vitro. Allele origin: not applicable. Functional consequence: retained intron. Not counted in ClinVar's aggregate classification.

Dr. Peter K. Rogan Lab, Western University
No classification provided (evidence only). Condition: Melanoma. Review status: no classification provided. Collection method: in vitro. Allele origin: not applicable. Functional consequence: retained intron. Not counted in ClinVar's aggregate classification.

Dr. Peter K. Rogan Lab, Western University
No classification provided (evidence only). Condition: Colorectal cancer. Review status: no classification provided. Collection method: in vitro. Allele origin: not applicable. Functional consequence: retained intron. Not counted in ClinVar's aggregate classification.

Dr. Peter K. Rogan Lab, Western University
No classification provided (evidence only). Condition: Uterine corpus endometrial carcinoma. Review status: no classification provided. Collection method: in vitro. Allele origin: not applicable. Functional consequence: retained intron. Not counted in ClinVar's aggregate classification.

Dr. Peter K. Rogan Lab, Western University
No classification provided (evidence only). Condition: Cervical cancer. Review status: no classification provided. Collection method: in vitro. Allele origin: not applicable. Functional consequence: skipped exon. Not counted in ClinVar's aggregate classification.

Dr. Peter K. Rogan Lab, Western University
No classification provided (evidence only). Condition: Cervical cancer. Review status: no classification provided. Collection method: in vitro. Allele origin: not applicable. Functional consequence: skipped exon. Not counted in ClinVar's aggregate classification.

Dr. Peter K. Rogan Lab, Western University
No classification provided (evidence only). Condition: Sarcoma. Review status: no classification provided. Collection method: in vitro. Allele origin: not applicable. Functional consequence: retained intron. Not counted in ClinVar's aggregate classification.

Dr. Peter K. Rogan Lab, Western University
No classification provided (evidence only). Condition: Gastric cancer. Review status: no classification provided. Collection method: in vitro. Allele origin: not applicable. Functional consequence: retained intron. Not counted in ClinVar's aggregate classification.

Dr. Peter K. Rogan Lab, Western University
No classification provided (evidence only). Condition: Gastric cancer. Review status: no classification provided. Collection method: in vitro. Allele origin: not applicable. Functional consequence: retained intron. Not counted in ClinVar's aggregate classification.